The following is an entry in ClinVar:

ClinVar aggregate classification (germline): Uncertain significance (1 of 4 stars; one submission).

Conditions:
Cardiovascular phenotype. Identifiers: MedGen CN230736.

Submission:

Ambry Genetics
Classification: Uncertain significance for Cardiovascular phenotype. Last evaluated: 2024-10-22. Review status: criteria provided, single submitter. Criteria: Ambry Variant Classification Scheme 2023. Collection method: clinical testing. Allele origin: germline.
Comment: The p.E197D variant (also known as c.591G>C), located in coding exon 1 of the CHST14 gene, results from a G to C substitution at nucleotide position 591. The glutamic acid at codon 197 is replaced by aspartic acid, an amino acid with highly similar properties. This amino acid position is conserved. In addition, this alteration is predicted to be tolerated by in silico analysis. Based on the available evidence, the clinical significance of this variant remains unclear.

NM_130468.4(CHST14):c.591G>C (p.Glu197Asp)

Gene: CHST14 (carbohydrate sulfotransferase 14; plus strand). Cytogenetic location: 15q15.1.
Variant type: single nucleotide variant.
Coding change: c.591G>C on transcript NM_130468.4 (MANE Select); coding-DNA position 591, G replaced by C.
Protein change: p.Glu197Asp; replaces glutamic acid 197 with aspartic acid.
Molecular consequence: missense variant.
Genome position (GRCh38, 1-based): chr15:40,471,804, G>C. VCF-style: chr15-40471804-G-C. GRCh37 (hg19) VCF-style: chr15-40764003-G-C.
Other names: short protein forms E197D.
Identifiers: ClinVar variation 3492683 (VCV003492683.1).
Genomic context (GRCh38, chr15:40,471,804, plus strand): 5'-CGTCCGCCTCAAGATGGACCACCGCAGTGACCTGGTGTTCCTGGCCGACCTGCGGCCTGA[G>C]GAGATTCGCTACCGCCTGCAGCACTACTTTAAGTTCCTGTTTGTGCGGGAGCCCTTGGAA-3'
Protein context (NP_569735.1, residues 187-207): DLVFLADLRP[Glu197Asp]EIRYRLQHYF